The following is an entry in ClinVar:

NM_001123385.2(BCOR):c.4305A>G (p.Pro1435=)

Gene: BCOR (BCL6 corepressor; minus strand). Cytogenetic location: Xp11.4.
Variant type: single nucleotide variant.
Coding change: c.4305A>G on transcript NM_001123385.2 (MANE Select); coding-DNA position 4305, A replaced by G.
Protein change: p.Pro1435=; no amino-acid change (proline 1435 retained).
Molecular consequence: synonymous variant.
Genome position (GRCh38, 1-based): chrX:40,062,262, T>C on the plus strand (A>G on the coding strand, the complement: BCOR is on the minus strand). VCF-style: chrX-40062262-T-C. GRCh37 (hg19) VCF-style: chrX-39921515-T-C.
Other names: c.4203A>G, p.Pro1401= (NM_001123383.2, NM_017745.6); c.4149A>G, p.Pro1383= (NM_001123384.2).
Identifiers: ClinVar variation 696929 (VCV000696929.12), dbSNP rs144653977, ClinGen allele CA10386467.

ClinVar aggregate classification (germline): Benign/Likely benign. Review status: criteria provided, multiple submitters, no conflicts (2 of 4 stars). 4 submissions from 4 submitters: Benign (2); Likely benign (2). Last evaluated 2025-12-21.

Conditions:
BCOR-related disorder. Also called: BCOR-related condition; BCOR-related disorders.
Oculofaciocardiodental syndrome (MCOPS2). Identifiers: Orphanet 2712, MedGen C1846265, MONDO:0010261, OMIM 300166.

Allele frequency attached by ClinVar (database versions not stated): 1000 Genomes Project 0.00079; TOPMed 0.00008; gnomAD 0.00009 and 0.00015; ESP Exome Variant Server 0.00019; gnomAD exomes 0.00030 and 0.00044; 1000 Genomes Project 30x 0.00062; ExAC 0.00065.
gnomAD v4.1: 345 of 1,209,115 alleles (0.029%); highest among the groups gnomAD compares: South Asian, 0.41%; no homozygotes.

Submissions (4):

Labcorp Genetics (formerly Invitae), Labcorp
Classification: Benign for Oculofaciocardiodental syndrome. Last evaluated: 2025-12-21. Review status: criteria provided, single submitter. Criteria: Invitae Variant Classification Sherloc (09022015). Collection method: clinical testing. Allele origin: germline.

PreventionGenetics, part of Exact Sciences
Classification: Likely benign for BCOR-related condition. Last evaluated: 2025-02-07. Review status: criteria provided, single submitter. Criteria: ACMG Guidelines, 2015. Collection method: clinical testing. Allele origin: germline.
Comment: This variant is classified as likely benign based on ACMG/AMP sequence variant interpretation guidelines (Richards et al. 2015 PMID: 25741868, with internal and published modifications).

Blueprint Genetics
Classification: Likely benign. Last evaluated: 2024-10-09. Review status: criteria provided, single submitter. Criteria: ACMG Guidelines, 2015. Collection method: clinical testing. Allele origin: germline.

Breakthrough Genomics
Classification: Benign. Review status: criteria provided, single submitter. Criteria: ACMG Guidelines, 2015. Collection method: not provided. Allele origin: germline. Inheritance: X-linked inheritance. Affected: yes.